The following is an entry in ClinVar:

ClinVar aggregate classification (germline): Benign. Review status: criteria provided, multiple submitters, no conflicts (2 of 4 stars). 2 submissions from 2 submitters: Benign (2). Last evaluated 2025-03-04.

Allele frequency attached by ClinVar (database versions not stated): gnomAD exomes 0.00212 and 0.00584; ExAC 0.00733; 1000 Genomes Project 0.02177; gnomAD 0.02305 and 0.02483; ESP Exome Variant Server 0.02476; 1000 Genomes Project 30x 0.02498; TOPMed 0.02592.
gnomAD v4.1: 6,706 of 1,605,524 alleles (0.42%); highest among the groups gnomAD compares: African/African-American, 8%; 249 homozygotes.

Submissions (2):

Center for Genomic Medicine, Rigshospitalet, Copenhagen University Hospital
Classification: Benign. Last evaluated: 2025-03-04. Review status: criteria provided, single submitter. Criteria: ACMG Guidelines, 2015. Collection method: clinical testing. Allele origin: germline.
Comment: Classification criteria: BA1

GeneDx
Classification: Benign. Last evaluated: 2018-06-23. Review status: criteria provided, single submitter. Criteria: GeneDx Variant Classification Process June 2021. Collection method: clinical testing. Allele origin: germline. Affected: yes.

NM_001903.5(CTNNA1):c.2434-28C>A

Gene: CTNNA1 (catenin alpha 1; plus strand). Cytogenetic location: 5q31.2.
Variant type: single nucleotide variant.
Coding change: c.2434-28C>A on transcript NM_001903.5 (MANE Select); 28 bases into the intron before coding-DNA position 2434, C replaced by A.
Molecular consequence: intron variant.
Genome position (GRCh38, 1-based): chr5:138,933,774, C>A. VCF-style: chr5-138933774-C-A. GRCh37 (hg19) VCF-style: chr5-138269463-C-A.
Other names: c.2434-28C>A (NM_001323982.2, NM_001323984.2, NM_001323983.1); c.2505-28C>A (NM_001290307.3); c.2434-55C>A (NM_001323985.2); c.2341-28C>A (NM_001323986.2); c.2065-28C>A (NM_001290310.3); c.2125-28C>A (NM_001290309.3); c.1324-28C>A (NM_001323996.1, NM_001323993.1, NM_001323998.1 and 12 more transcripts); c.1395-28C>A (NM_001324005.1, NM_001324003.1, NM_001324002.1 and 1 more transcripts); and 4 more.
Identifiers: ClinVar variation 1242105 (VCV001242105.3), dbSNP rs28363502, ClinGen allele CA3432239.
Genomic context (GRCh38, chr5:138,933,774, plus strand): 5'-AGGGGGCTCCCCTTCAAGCACAGCCCACCTGTGTCCACGAGGCTGGAGGTCAGGCCGGTG[C>A]TTCTTACCACCCCTGTCTGCCTCGTAGGTGGACAGCGCCATGTCCCTGATCCAGGCAGCC-3'